The following is an entry in ClinVar:

ClinVar aggregate classification (germline): Benign/Likely benign. Review status: criteria provided, multiple submitters, no conflicts (2 of 4 stars). 10 submissions from 9 submitters: Benign (5); Likely benign (4). 1 of the submissions does not count toward it. Last evaluated 2026-08-01.

Conditions:
MORC2-related disorder. Also called: MORC2-related condition.
Developmental delay, impaired growth, dysmorphic facies, and axonal neuropathy. Identifiers: MedGen C5436781, MONDO:0030835, OMIM 619090.
Inborn genetic diseases. Identifiers: MedGen C0950123, MeSH D030342.
Charcot-Marie-Tooth disease axonal type 2Z. Also called: CHARCOT-MARIE-TOOTH DISEASE, AXONAL, AUTOSOMAL DOMINANT, TYPE 2Z; CHARCOT-MARIE-TOOTH NEUROPATHY, TYPE 2Z. Identifiers: Orphanet 466768, MedGen C5569025, MONDO:0014736, OMIM 616688.

Allele frequency attached by ClinVar (database versions not stated): gnomAD exomes 0.00030 and 0.00078; ExAC 0.00093; 1000 Genomes Project 0.00240; 1000 Genomes Project 30x 0.00250; gnomAD 0.00312 and 0.00339; ESP Exome Variant Server 0.00351; TOPMed 0.00361.

Submissions (10):

CeGaT Center for Human Genetics Tuebingen
Classification: Likely benign. Last evaluated: 2026-08-01. Review status: criteria provided, single submitter. Criteria: CeGaT Center For Human Genetics Tuebingen Variant Classification Criteria Version 2. Collection method: clinical testing. Allele origin: germline. Affected: yes. Observed: 3 variant alleles.
Comment: MORC2: BS1

Labcorp Genetics (formerly Invitae), Labcorp
Classification: Benign for Charcot-Marie-Tooth disease axonal type 2Z. Last evaluated: 2026-01-15. Review status: criteria provided, single submitter. Criteria: Invitae Variant Classification Sherloc (09022015). Collection method: clinical testing. Allele origin: germline.

Mayo Clinic Laboratories, Mayo Clinic
Classification: Benign. Last evaluated: 2024-12-13. Review status: criteria provided, single submitter. Criteria: ACMG Guidelines, 2015. Collection method: clinical testing. Allele origin: germline. Observed: 1 variant allele.
Comment: BS1, BS2

Blueprint Genetics
Classification: Likely benign. Last evaluated: 2024-11-13. Review status: criteria provided, single submitter. Criteria: ACMG Guidelines, 2015. Collection method: clinical testing. Allele origin: germline.

ARUP Laboratories, Molecular Genetics and Genomics, ARUP Laboratories
Classification: Likely benign. Last evaluated: 2023-11-22. Review status: criteria provided, single submitter. Criteria: ARUP Molecular Germline Variant Investigation Process 2024. Collection method: clinical testing. Allele origin: germline.

Genome-Nilou Lab
Classification: Benign for Charcot-Marie-Tooth disease axonal type 2Z. Last evaluated: 2022-03-15. Review status: criteria provided, single submitter. Criteria: ACMG Guidelines, 2015. Collection method: clinical testing. Allele origin: germline. Affected: no.

Genome-Nilou Lab
Classification: Benign for Developmental delay, impaired growth, dysmorphic facies, and axonal neuropathy. Last evaluated: 2022-03-15. Review status: criteria provided, single submitter. Criteria: ACMG Guidelines, 2015. Collection method: clinical testing. Allele origin: germline. Affected: no.

Ambry Genetics
Classification: Likely benign for Inborn genetic diseases. Last evaluated: 2019-10-17. Review status: criteria provided, single submitter. Criteria: Ambry Variant Classification Scheme 2023. Collection method: clinical testing. Allele origin: germline.

GeneDx
Classification: Benign. Last evaluated: 2019-04-02. Review status: criteria provided, single submitter. Criteria: GeneDx Variant Classification Process June 2021. Collection method: clinical testing. Allele origin: germline. Affected: yes.

PreventionGenetics, part of Exact Sciences
Classification: Benign for MORC2-related condition. Last evaluated: 2019-11-06. Review status: no assertion criteria provided. Collection method: clinical testing. Allele origin: germline. Not counted in ClinVar's aggregate classification.
Comment: This variant is classified as benign based on ACMG/AMP sequence variant interpretation guidelines (Richards et al. 2015 PMID: 25741868, with internal and published modifications).

NM_001303256.3(MORC2):c.2747+5_2747+6del

Gene: MORC2 (MORC family CW-type zinc finger 2; minus strand). Cytogenetic location: 22q12.2.
Variant type: Deletion.
Coding change: c.2747+5_2747+6del on transcript NM_001303256.3 (MANE Select); bases 5 to 6 of the intron after coding-DNA position 2747, 2 bases deleted (AT; older notation c.2747+5_2747+6delAT).
Molecular consequence: intron variant.
Genome position (GRCh38, 1-based): chr22:30,932,539-30,932,540, AT deleted on the plus strand (AT on the coding strand, the reverse complement: MORC2 is on the minus strand). VCF-style (leftmost placement, unchanged base first): chr22-30932538-CAT-C. GRCh37 (hg19) VCF-style: chr22-31328525-CAT-C.
Other names: p.?; c.2747+5_2747+6delAT (NM_001303256.2); c.2747+5_2747+6del (NM_001303257.2); c.2561+5_2561+6del (NM_014941.3).
Identifiers: ClinVar variation 475587 (VCV000475587.47), dbSNP rs67357185, ClinGen allele CA10186575.